The following is an entry in ClinVar:

NM_016038.4(SBDS):c.533T>C (p.Leu178Pro)

Gene: SBDS (SBDS ribosome maturation factor; minus strand). Cytogenetic location: 7q11.21.
Variant type: single nucleotide variant.
Coding change: c.533T>C on transcript NM_016038.4 (MANE Select); coding-DNA position 533, T replaced by C.
Protein change: p.Leu178Pro; replaces leucine 178 with proline.
Molecular consequence: missense variant.
Genome position (GRCh38, 1-based): chr7:66,991,228, A>G on the plus strand (T>C on the coding strand, the complement: SBDS is on the minus strand). VCF-style: chr7-66991228-A-G. GRCh37 (hg19) VCF-style: chr7-66456215-A-G.
Other names: short protein forms L178P.
Identifiers: ClinVar variation 4826991 (VCV004826991.1).

ClinVar aggregate classification (germline): Uncertain significance (1 of 4 stars; one submission).

Conditions:
Inborn genetic diseases. Identifiers: MedGen C0950123, MeSH D030342.

gnomAD v4.1: 1 of 1,614,156 alleles (0.000062%); highest among the groups gnomAD compares: Non-Finnish European, 0.000085%; no homozygotes.

Submission:

Ambry Genetics
Classification: Uncertain significance for Inborn genetic diseases. Last evaluated: 2026-03-04. Review status: criteria provided, single submitter. Criteria: Ambry Variant Classification Scheme 2023. Collection method: clinical testing. Allele origin: germline.
Comment: The p.L178P variant (also known as c.533T>C), located in coding exon 4 of the SBDS gene, results from a T to C substitution at nucleotide position 533. The leucine at codon 178 is replaced by proline, an amino acid with similar properties. This amino acid position is conserved. In addition, this alteration is predicted to be deleterious by in silico analysis. Based on the available evidence, the clinical significance of this variant remains unclear.